The following is an entry in ClinVar:

NM_001873.4(CPE):c.907A>G (p.Asn303Asp)

Gene: CPE (carboxypeptidase E; plus strand). Cytogenetic location: 4q32.3.
Variant type: single nucleotide variant.
Coding change: c.907A>G on transcript NM_001873.4 (MANE Select); coding-DNA position 907, A replaced by G.
Protein change: p.Asn303Asp; replaces asparagine 303 with aspartic acid.
Molecular consequence: missense variant.
Genome position (GRCh38, 1-based): chr4:165,484,538, A>G. VCF-style: chr4-165484538-A-G. GRCh37 (hg19) VCF-style: chr4-166405690-A-G.
Other names: short protein forms N303D.
Identifiers: ClinVar variation 3357174 (VCV003357174.1).
Genomic context (GRCh38, chr4:165,484,538, plus strand): 5'-CGGGCATACTCTTCTTTCAACCCGGCCATGTCTGACCCCAATCGGCCACCATGTCGCAAG[A>G]ATGATGATGACAGCAGCTTTGTAGATGGAACCACCAACGGTGGTGCTTGGTACAGCGTAC-3'
Protein context (NP_001864.1, residues 293-313): SDPNRPPCRK[Asn303Asp]DDDSSFVDGT

ClinVar aggregate classification (germline): Uncertain significance (0 of 4 stars; one submission).

Conditions:
CPE-related disorder. Also called: CPE-related condition.

gnomAD v4.1: 3 of 1,614,152 alleles (0.00019%); highest among the groups gnomAD compares: Admixed American, 0.0033%; no homozygotes.

Submission:

PreventionGenetics, part of Exact Sciences
Classification: Uncertain significance for CPE-related condition. Last evaluated: 2024-07-05. Review status: no assertion criteria provided. Collection method: clinical testing. Allele origin: germline.
Comment: The CPE c.907A>G variant is predicted to result in the amino acid substitution p.Asn303Asp. To our knowledge, this variant has not been reported in the literature. This variant is reported in 0.0029% of alleles in individuals of Latino descent in gnomAD. At this time, the clinical significance of this variant is uncertain due to the absence of conclusive functional and genetic evidence.